The following is an entry in ClinVar:

ClinVar aggregate classification (germline): Likely benign (1 of 4 stars; one submission).

Submission:

Mayo Clinic Laboratories, Mayo Clinic
Classification: Likely benign. Last evaluated: 2025-01-28. Review status: criteria provided, single submitter. Criteria: ACMG Guidelines, 2015. Collection method: clinical testing. Allele origin: germline. Observed: 1 variant allele.
Comment: BP7

NM_080732.4(EGLN2):c.963+5GGGTGA[4]

Genes: EGLN2 (egl-9 family hypoxia inducible factor 2; plus strand), RAB4B-EGLN2 (RAB4B-EGLN2 readthrough (NMD candidate); plus strand). Cytogenetic location: 19q13.2.
Variant type: Microsatellite.
Coding change: c.963+5GGGTGA[4] on transcript NM_080732.4 (MANE Select); four copies in a row of the 6-base unit GGGTGA starting at c.963+5.
Molecular consequence: intron variant.
Genome position: GRCh38 VCF-style: chr19-40806678-G-GGGGTGA. GRCh37 (hg19) VCF-style: chr19-41312583-G-GGGGTGA.
Other names: p.?; c.963+5GGGTGA[4] (NM_053046.4); c.963+22_963+27dup (NM_080732.4).
Identifiers: ClinVar variation 4684377 (VCV004684377.1).